The following is an entry in ClinVar:

ClinVar aggregate classification (germline): Uncertain significance. Review status: criteria provided, multiple submitters, no conflicts (2 of 4 stars). 2 submissions from 2 submitters: Uncertain significance (2). Last evaluated 2025-04-22.

Conditions:
Neuroblastoma, susceptibility to, 3. Also called: ALK-Related Neuroblastic Tumor Susceptibility. Identifiers: Orphanet 635, MedGen C2751681, MONDO:0013083, OMIM 613014.
Hereditary cancer-predisposing syndrome. Also called: Neoplastic Syndromes, Hereditary; Hereditary neoplastic syndrome; Tumor predisposition; Hereditary Cancer Syndrome. Identifiers: Orphanet 140162, MedGen C0027672, MeSH D009386, MONDO:0015356.

Allele frequency attached by ClinVar (database versions not stated): gnomAD exomes below 0.00001 and 0.00001; TOPMed below 0.00001.
gnomAD v4.1: 4 of 1,613,572 alleles (0.00025%); highest among the groups gnomAD compares: Non-Finnish European, 0.00034%; no homozygotes.

Submissions (2):

Ambry Genetics
Classification: Uncertain significance for Hereditary cancer-predisposing syndrome. Last evaluated: 2025-04-22. Review status: criteria provided, single submitter. Criteria: Ambry Variant Classification Scheme 2023. Collection method: clinical testing. Allele origin: germline.
Comment: The p.T1041I variant (also known as c.3122C>T), located in coding exon 19 of the ALK gene, results from a C to T substitution at nucleotide position 3122. The threonine at codon 1041 is replaced by isoleucine, an amino acid with similar properties. This amino acid position is highly conserved in available vertebrate species. In addition, the in silico prediction for this alteration is inconclusive. Based on the available evidence, the clinical significance of this variant remains unclear.

Labcorp Genetics (formerly Invitae), Labcorp
Classification: Uncertain significance for Neuroblastoma, susceptibility to, 3. Last evaluated: 2024-06-24. Review status: criteria provided, single submitter. Criteria: Invitae Variant Classification Sherloc (09022015). Collection method: clinical testing. Allele origin: germline.
Comment: This sequence change replaces threonine, which is neutral and polar, with isoleucine, which is neutral and non-polar, at codon 1041 of the ALK protein (p.Thr1041Ile). This variant is not present in population databases (gnomAD no frequency). This variant has not been reported in the literature in individuals affected with ALK-related conditions. ClinVar contains an entry for this variant (Variation ID: 845967). An algorithm developed to predict the effect of missense changes on protein structure and function (PolyPhen-2) suggests that this variant is likely to be disruptive. In summary, the available evidence is currently insufficient to determine the role of this variant in disease. Therefore, it has been classified as a Variant of Uncertain Significance.

NM_004304.5(ALK):c.3122C>T (p.Thr1041Ile)

Gene: ALK (ALK receptor tyrosine kinase; minus strand). Cytogenetic location: 2p23.2.
Variant type: single nucleotide variant.
Coding change: c.3122C>T on transcript NM_004304.5 (MANE Select); coding-DNA position 3122, C replaced by T.
Protein change: p.Thr1041Ile; replaces threonine 1041 with isoleucine.
Molecular consequence: missense variant.
Genome position (GRCh38, 1-based): chr2:29,225,511, G>A on the plus strand (C>T on the coding strand, the complement: ALK is on the minus strand). VCF-style: chr2-29225511-G-A. GRCh37 (hg19) VCF-style: chr2-29448377-G-A.
Other names: short protein forms T1041I.
Identifiers: ClinVar variation 845967 (VCV000845967.10), dbSNP rs1365149175, ClinGen allele CA346466912.
Genomic context (GRCh38, chr2:29,225,511, plus strand): 5'-GTGCACTCACCAATCATGATGCCGGAGAAAGCCAGGACCAGGGCGGCCACGAGGGCAGAG[G>A]TCACCACAGAGAGGATCAGCGAGAGTGGCAGGTGTGGCTCCGGGGTGGGTGACACTGGAA-3'
Protein context (NP_004295.2, residues 1031-1051): LPLSLILSVV[Thr1041Ile]SALVAALVLA